The following is an entry in ClinVar:

ClinVar aggregate classification (germline): Uncertain significance. Review status: criteria provided, multiple submitters, no conflicts (2 of 4 stars). 3 submissions from 3 submitters: Uncertain significance (3). Last evaluated 2024-11-06.

Conditions:
Hennekam lymphangiectasia-lymphedema syndrome 2 (HKLLS2). Identifiers: Orphanet 2136, MedGen C4014939, MONDO:0014454, OMIM 616006.
Van Maldergem syndrome 2 (VMLDS2). Identifiers: Orphanet 314679, MedGen C3809875, MONDO:0014242, OMIM 615546.

Allele frequency attached by ClinVar (database versions not stated): gnomAD exomes 0.00001; ExAC 0.00002; gnomAD 0.00008; TOPMed 0.00014; 1000 Genomes Project 30x 0.00016; 1000 Genomes Project 0.00020.
gnomAD v4.1: 30 of 1,614,194 alleles (0.0019%); highest among the groups gnomAD compares: African/African-American, 0.032%; no homozygotes.

Submissions (3):

Women's Health and Genetics/Laboratory Corporation of America, LabCorp
Classification: Uncertain significance. Last evaluated: 2024-11-06. Review status: criteria provided, single submitter. Criteria: LabCorp Variant Classification Summary - May 2015. Collection method: clinical testing. Allele origin: germline.
Comment: Variant summary: FAT4 c.9958G>A (p.Val3320Met) results in a conservative amino acid change located in the Cadherin domain of the encoded protein sequence. Four of five in-silico tools predict a damaging effect of the variant on protein function. The variant allele was found at a frequency of 1.6e-05 in 251016 control chromosomes. The available data on variant occurrences in the general population are insufficient to allow any conclusion about variant significance. To our knowledge, no occurrence of c.9958G>A in individuals affected with FAT4-Related Disorders and no experimental evidence demonstrating its impact on protein function have been reported. ClinVar contains an entry for this variant (Variation ID: 3237383). Based on the evidence outlined above, the variant was classified as uncertain significance.

Fulgent Genetics
Classification: Uncertain significance for Van Maldergem syndrome 2; Hennekam lymphangiectasia-lymphedema syndrome 2. Last evaluated: 2024-04-16. Review status: criteria provided, single submitter. Criteria: ACMG Guidelines, 2015. Collection method: clinical testing. Allele origin: germline.

Clinical Genomics Laboratory, Washington University in St. Louis
Classification: Uncertain significance for Hennekam lymphangiectasia-lymphedema syndrome 2. Last evaluated: 2024-01-11. Review status: criteria provided, single submitter. Criteria: ACMG Guidelines, 2015. Collection method: clinical testing. Allele origin: germline.
Comment: The FAT4 c.9964G>A (p.Val3322Met) variant was identified at a near heterozygous allele fraction of 49%, a frequency which may be consistent with it being of germline origin. Computational predictors are conflicting as to the impact of this variant on FAT4 function. This variant is only observed on 30/1,614,194 alleles in the general population (gnomAD v4.0.0), indicating it is not a common variant. Due to limited information, and based on ACMG/AMP guidelines for variant interpretation (Richards S et al., PMID: 25741868), the clinical significance of the FAT4 c.9964G>A (p.Val3322Met) variant is uncertain at this time.

NM_001291303.3(FAT4):c.9964G>A (p.Val3322Met)

Gene: FAT4 (FAT atypical cadherin 4; plus strand). Cytogenetic location: 4q28.1.
Variant type: single nucleotide variant.
Coding change: c.9964G>A on transcript NM_001291303.3 (MANE Select); coding-DNA position 9964, G replaced by A.
Protein change: p.Val3322Met; replaces valine 3322 with methionine.
Molecular consequence: missense variant.
Genome position (GRCh38, 1-based): chr4:125,450,974, G>A. VCF-style: chr4-125450974-G-A. GRCh37 (hg19) VCF-style: chr4-126372129-G-A.
Other names: c.9964G>A, p.Val3322Met (NM_001291285.3); c.9958G>A, p.Val3320Met (NM_024582.6); c.9958G>A (NM_024582.5); short protein forms V3320M, V3322M.
Identifiers: ClinVar variation 3237383 (VCV003237383.3), dbSNP rs181641041.